The following is an entry in ClinVar:

ClinVar aggregate classification (germline): Uncertain significance (1 of 4 stars; one submission).

gnomAD v4.1: 37 of 1,614,096 alleles (0.0023%); highest among the groups gnomAD compares: East Asian, 0.0089%; no homozygotes.

Submission:

GeneDx
Classification: Uncertain significance. Last evaluated: 2024-10-30. Review status: criteria provided, single submitter. Criteria: GeneDx Variant Classification Process June 2021. Collection method: clinical testing. Allele origin: germline. Affected: yes.
Comment: In silico analysis indicates that this missense variant does not alter protein structure/function; De novo variant with confirmed parentage in patients with a neurodevelopmental disorder, one of whom also had additional de novo variants (PMID: 31785789, 33057194); This variant is associated with the following publications: (PMID: 33057194, 35982159, 31785789)

NM_006129.5(BMP1):c.1216G>A (p.Val406Ile)

Gene: BMP1 (bone morphogenetic protein 1; plus strand). Cytogenetic location: 8p21.3.
Variant type: single nucleotide variant.
Coding change: c.1216G>A on transcript NM_006129.5 (MANE Select); coding-DNA position 1216, G replaced by A.
Protein change: p.Val406Ile; replaces valine 406 with isoleucine.
Molecular consequence: missense variant. On other transcripts: non-coding transcript variant (2).
Genome position (GRCh38, 1-based): chr8:22,194,093, G>A. VCF-style: chr8-22194093-G-A. GRCh37 (hg19) VCF-style: chr8-22051606-G-A.
Other names: c.1216G>A, p.Val406Ile (NM_001199.4); short protein forms V406I.
Identifiers: ClinVar variation 3897210 (VCV003897210.1).